The following is an entry in ClinVar:

NM_001692.4(ATP6V1B1):c.113G>A (p.Arg38His)

Gene: ATP6V1B1 (ATPase H+ transporting V1 subunit B1; plus strand). Cytogenetic location: 2p13.3.
Variant type: single nucleotide variant.
Coding change: c.113G>A on transcript NM_001692.4 (MANE Select); coding-DNA position 113, G replaced by A.
Protein change: p.Arg38His; replaces arginine 38 with histidine.
Molecular consequence: missense variant.
Genome position (GRCh38, 1-based): chr2:70,936,067, G>A. VCF-style: chr2-70936067-G-A. GRCh37 (hg19) VCF-style: chr2-71163197-G-A.
Other names: short protein forms R38H.
Identifiers: ClinVar variation 1065019 (VCV001065019.8), dbSNP rs782166295, ClinGen allele CA1700837.

ClinVar aggregate classification (germline): Uncertain significance. Review status: criteria provided, multiple submitters, no conflicts (2 of 4 stars). 5 submissions from 5 submitters: Uncertain significance (5). Last evaluated 2026-02-27.

Conditions:
ATP6V1B1-related disorder. Also called: ATP6V1B1-related condition.
Hearing impairment. Also called: Impaired Hearing. Identifiers: MedGen C1384666, MONDO:0005365, HP:0000365.
Inborn genetic diseases. Identifiers: MedGen C0950123, MeSH D030342.
Renal tubular acidosis with progressive nerve deafness. Also called: Distal Renal Tubular Acidosis with Progressive Sensorineural Deafness; renal tubular acidosis, distal, 2, with progressive sensorineural hearing loss; RENAL TUBULAR ACIDOSIS, AUTOSOMAL RECESSIVE, WITH PROGRESSIVE NERVE DEAFNESS; RTA WITH PROGRESSIVE NERVE DEAFNESS. Identifiers: MedGen C0403554, MONDO:0009968, OMIM 267300.

Allele frequency attached by ClinVar (database versions not stated): gnomAD 0.00001; ExAC 0.00003; TOPMed 0.00003; gnomAD exomes 0.00008.
gnomAD v4.1: 29 of 1,613,818 alleles (0.0018%); highest among the groups gnomAD compares: East Asian, 0.022%; no homozygotes.

Submissions (5):

PreventionGenetics, part of Exact Sciences
Classification: Uncertain significance for ATP6V1B1-related condition. Last evaluated: 2026-02-27. Review status: criteria provided, single submitter. Criteria: ACMG Guidelines, 2015. Collection method: clinical testing. Allele origin: germline.
Comment: The ATP6V1B1 c.113G>A variant is predicted to result in the amino acid substitution p.Arg38His. To our knowledge, this variant has not been reported in the literature. This variant is reported in 0.055% of alleles in individuals of East Asian descent in gnomAD. At this time, the clinical significance of this variant is uncertain due to the absence of conclusive functional and genetic evidence.

Ambry Genetics
Classification: Uncertain significance for Inborn genetic diseases. Last evaluated: 2023-11-22. Review status: criteria provided, single submitter. Criteria: Ambry Variant Classification Scheme 2023. Collection method: clinical testing. Allele origin: germline.

Labcorp Genetics (formerly Invitae), Labcorp
Classification: Uncertain significance. Last evaluated: 2022-06-26. Review status: criteria provided, single submitter. Criteria: Invitae Variant Classification Sherloc (09022015). Collection method: clinical testing. Allele origin: germline.
Comment: This sequence change replaces arginine, which is basic and polar, with histidine, which is basic and polar, at codon 38 of the ATP6V1B1 protein (p.Arg38His). This variant is present in population databases (rs782166295, gnomAD 0.05%). This variant has not been reported in the literature in individuals affected with ATP6V1B1-related conditions. ClinVar contains an entry for this variant (Variation ID: 1065019). Algorithms developed to predict the effect of missense changes on protein structure and function are either unavailable or do not agree on the potential impact of this missense change (SIFT: "Deleterious"; PolyPhen-2: "Benign"; Align-GVGD: "Class C0"). In summary, the available evidence is currently insufficient to determine the role of this variant in disease. Therefore, it has been classified as a Variant of Uncertain Significance.

Fulgent Genetics
Classification: Uncertain significance for Renal tubular acidosis with progressive nerve deafness. Last evaluated: 2021-12-21. Review status: criteria provided, single submitter. Criteria: ACMG Guidelines, 2015. Collection method: clinical testing. Allele origin: unknown.

Department of Otolaryngology – Head & Neck Surgery, Cochlear Implant Center
Classification: Uncertain significance for Hearing impairment. Last evaluated: 2021-04-12. Review status: criteria provided, single submitter. Criteria: ClinGen HL ACMG Specifications v1. Collection method: clinical testing. Allele origin: germline. Affected: yes.
Comment: PM2_Moderate,PP3_Supporting